The following is an entry in ClinVar:

ClinVar aggregate classification (germline): Benign/Likely benign. Review status: criteria provided, multiple submitters, no conflicts (2 of 4 stars). 3 submissions from 3 submitters: Benign (1); Likely benign (1). 1 of the submissions does not count toward it. Last evaluated 2026-09-01.

Conditions:
MYSM1-related disorder. Also called: MYSM1-related condition.

Allele frequency attached by ClinVar (database versions not stated): 1000 Genomes Project 30x 0.00297; 1000 Genomes Project 0.00379; TOPMed 0.00397; ESP Exome Variant Server 0.00459; gnomAD 0.00514 and 0.00520; gnomAD exomes 0.00556; ExAC 0.00562.
gnomAD v4.1: 9,494 of 1,613,774 alleles (0.59%); highest among the groups gnomAD compares: Non-Finnish European, 0.65%; 41 homozygotes.

Submissions (3):

CeGaT Center for Human Genetics Tuebingen
Classification: Likely benign. Last evaluated: 2026-09-01. Review status: criteria provided, single submitter. Criteria: CeGaT Center For Human Genetics Tuebingen Variant Classification Criteria Version 2. Collection method: clinical testing. Allele origin: germline. Affected: yes. Observed: 5 variant alleles.
Comment: MYSM1: BP4, BP7, BS2

Labcorp Genetics (formerly Invitae), Labcorp
Classification: Benign. Last evaluated: 2026-02-01. Review status: criteria provided, single submitter. Criteria: Invitae Variant Classification Sherloc (09022015). Collection method: clinical testing. Allele origin: germline.

PreventionGenetics, part of Exact Sciences
Classification: Benign for MYSM1-related condition. Last evaluated: 2019-09-23. Review status: no assertion criteria provided. Collection method: clinical testing. Allele origin: germline. Not counted in ClinVar's aggregate classification.
Comment: This variant is classified as benign based on ACMG/AMP sequence variant interpretation guidelines (Richards et al. 2015 PMID: 25741868, with internal and published modifications).

NM_001085487.3(MYSM1):c.1566G>A (p.Thr522=)

Gene: MYSM1 (Myb like, SWIRM and MPN domains 1; minus strand). Cytogenetic location: 1p32.1.
Variant type: single nucleotide variant.
Coding change: c.1566G>A on transcript NM_001085487.3 (MANE Select); coding-DNA position 1566, G replaced by A.
Protein change: p.Thr522=; no amino-acid change (threonine 522 retained).
Molecular consequence: synonymous variant.
Genome position (GRCh38, 1-based): chr1:58,673,579, C>T on the plus strand (G>A on the coding strand, the complement: MYSM1 is on the minus strand). VCF-style: chr1-58673579-C-T. GRCh37 (hg19) VCF-style: chr1-59139251-C-T.
Identifiers: ClinVar variation 790926 (VCV000790926.45), dbSNP rs138210329, ClinGen allele CA877764.